The following is an entry in ClinVar:

ClinVar aggregate classification (germline): Pathogenic/Likely pathogenic. Review status: criteria provided, multiple submitters, no conflicts (2 of 4 stars). 3 submissions from 3 submitters: Pathogenic (1); Likely pathogenic (2). Last evaluated 2024-03-25.

Conditions:
Primary hyperoxaluria, type I (HP1). Also called: OXALOSIS I; GLYCOLIC ACIDURIA; HEPATIC AGT DEFICIENCY; Primary hyperoxaluria type 1. Identifiers: Orphanet 416, Orphanet 93598, MedGen C0268164, MONDO:0009823, OMIM 259900. Disease mechanism: loss of function.

Allele frequency attached by ClinVar (database versions not stated): gnomAD exomes 0.00001.

Submissions (3):

Fulgent Genetics
Classification: Likely pathogenic for Primary hyperoxaluria, type I. Last evaluated: 2024-03-25. Review status: criteria provided, single submitter. Criteria: ACMG Guidelines, 2015. Collection method: clinical testing. Allele origin: germline.

Baylor Genetics
Classification: Likely pathogenic for Primary hyperoxaluria, type I. Last evaluated: 2023-12-09. Review status: criteria provided, single submitter. Criteria: ACMG Guidelines, 2015. Collection method: clinical testing. Allele origin: unknown.

Labcorp Genetics (formerly Invitae), Labcorp
Classification: Pathogenic. Last evaluated: 2021-01-29. Review status: criteria provided, single submitter. Criteria: Invitae Variant Classification Sherloc (09022015). Collection method: clinical testing. Allele origin: germline.
Comment: For these reasons, this variant has been classified as Pathogenic. Algorithms developed to predict the effect of sequence changes on RNA splicing suggest that this variant may disrupt the consensus splice site, but this prediction has not been confirmed by published transcriptional studies. Disruption of this splice site has been observed in individual(s) with primary hyperoxaluria type 1 (PMID: 15849466). This variant is not present in population databases (ExAC no frequency). This sequence change affects a donor splice site in intron 9 of the AGXT gene. It is expected to disrupt RNA splicing. Variants that disrupt the donor or acceptor splice site typically lead to a loss of protein function (PMID: 16199547), and loss-of-function variants in AGXT are known to be pathogenic (PMID: 19479957).

Literature cited by the submitters: PubMed 15849466 (cited by Labcorp Genetics (formerly Invitae), Labcorp); PubMed 16199547 (cited by Labcorp Genetics (formerly Invitae), Labcorp); PubMed 19479957 (cited by Labcorp Genetics (formerly Invitae), Labcorp).

NM_000030.3(AGXT):c.942+1G>A

Gene: AGXT (alanine--glyoxylate aminotransferase; plus strand). Cytogenetic location: 2q37.3.
Variant type: single nucleotide variant.
Coding change: c.942+1G>A on transcript NM_000030.3 (MANE Select); the canonical splice donor site of the intron after coding-DNA position 942, G replaced by A.
Molecular consequence: splice donor variant.
Genome position (GRCh38, 1-based): chr2:240,877,633, G>A. VCF-style: chr2-240877633-G-A. GRCh37 (hg19) VCF-style: chr2-241817050-G-A.
Identifiers: ClinVar variation 1456950 (VCV001456950.10), dbSNP rs180177297, ClinGen allele CA351319407.